The following is an entry in ClinVar:

NM_006267.5(RANBP2):c.1478A>C (p.Tyr493Ser)

Gene: RANBP2 (RAN binding protein 2; plus strand). Cytogenetic location: 2q13.
Variant type: single nucleotide variant.
Coding change: c.1478A>C on transcript NM_006267.5 (MANE Select); coding-DNA position 1478, A replaced by C.
Protein change: p.Tyr493Ser; replaces tyrosine 493 with serine.
Molecular consequence: missense variant.
Genome position (GRCh38, 1-based): chr2:108,751,550, A>C. VCF-style: chr2-108751550-A-C. GRCh37 (hg19) VCF-style: chr2-109368006-A-C.
Other names: short protein forms Y493S.
Identifiers: ClinVar variation 537211 (VCV000537211.3), dbSNP rs1553489117, ClinGen allele CA348049287.
Genomic context (GRCh38, chr2:108,751,550, plus strand): 5'-ATTTTTTTTCTAACTTAACTTTTCCTTAAATAAAACAGGTATTTCTCCTTGGAGTAGTAT[A>C]TACCAGCCACTTACAATTAAAGGAGAAATGTAATTCTCACCACAGCTCCTATCAGCCGTT-3'
Protein context (NP_006258.3, residues 483-503): DLEVFLLGVV[Tyr493Ser]TSHLQLKEKC

ClinVar aggregate classification (germline): Uncertain significance (1 of 4 stars; one submission).

Conditions:
Familial acute necrotizing encephalopathy (IIAE3). Also called: Susceptibility to Acute Necrotizing Encephalopathy 1; ENCEPHALOPATHY, ACUTE, INFECTION-INDUCED, SUSCEPTIBILITY TO, 3. Identifiers: Orphanet 88619, MedGen C2675556, MONDO:0011953, OMIM 608033.

Submission:

Labcorp Genetics (formerly Invitae), Labcorp
Classification: Uncertain significance for Familial acute necrotizing encephalopathy. Last evaluated: 2019-06-22. Review status: criteria provided, single submitter. Criteria: Invitae Variant Classification Sherloc (09022015). Collection method: clinical testing. Allele origin: germline.
Comment: This sequence change replaces tyrosine with serine at codon 493 of the RANBP2 protein (p.Tyr493Ser). The tyrosine residue is highly conserved and there is a large physicochemical difference between tyrosine and serine. This variant is not present in population databases (ExAC no frequency). This variant has not been reported in the literature in individuals with RANBP2-related disease. Algorithms developed to predict the effect of missense changes on protein structure and function do not agree on the potential impact of this missense change (SIFT: Deleterious; PolyPhen-2: Benign; Align-GVGD: Class C5). In summary, the available evidence is currently insufficient to determine the role of this variant in disease. Therefore, it has been classified as a Variant of Uncertain Significance. 5